The following is an entry in ClinVar:

NM_000234.3(LIG1):c.826G>T (p.Val276Leu)

Gene: LIG1 (DNA ligase 1; minus strand). Cytogenetic location: 19q13.33.
Variant type: single nucleotide variant.
Coding change: c.826G>T on transcript NM_000234.3 (MANE Select); coding-DNA position 826, G replaced by T.
Protein change: p.Val276Leu; replaces valine 276 with leucine.
Molecular consequence: missense variant. On other transcripts: non-coding transcript variant (6).
Genome position (GRCh38, 1-based): chr19:48,143,914, C>A on the plus strand (G>T on the coding strand, the complement: LIG1 is on the minus strand). VCF-style: chr19-48143914-C-A. GRCh37 (hg19) VCF-style: chr19-48647171-C-A.
Other names: c.826G>T (NM_000234.1); c.733G>T, p.Val245Leu (NM_001289063.2); c.622G>T, p.Val208Leu (NM_001289064.2); c.823G>T, p.Val275Leu (NM_001320970.2); c.736G>T, p.Val246Leu (NM_001320971.2); short protein forms V208L, V275L, V245L, V246L, V276L.
Identifiers: ClinVar variation 1393021 (VCV001393021.4), dbSNP rs373988317, ClinGen allele CA9547104.

ClinVar aggregate classification (germline): Uncertain significance. Review status: criteria provided, multiple submitters, no conflicts (2 of 4 stars). 2 submissions from 2 submitters: Uncertain significance (2). Last evaluated 2023-04-25.

gnomAD v4.1: 31 of 1,613,896 alleles (0.0019%); highest among the groups gnomAD compares: Non-Finnish European, 0.0026%; no homozygotes.

Submissions (2):

Ambry Genetics
Classification: Uncertain significance. Last evaluated: 2023-04-25. Review status: criteria provided, single submitter. Criteria: Ambry Variant Classification Scheme 2023. Collection method: clinical testing. Allele origin: germline.

Labcorp Genetics (formerly Invitae), Labcorp
Classification: Uncertain significance. Last evaluated: 2022-06-17. Review status: criteria provided, single submitter. Criteria: Invitae Variant Classification Sherloc (09022015). Collection method: clinical testing. Allele origin: germline.
Comment: This sequence change replaces valine, which is neutral and non-polar, with leucine, which is neutral and non-polar, at codon 276 of the LIG1 protein (p.Val276Leu). This variant is present in population databases (no rsID available, gnomAD 0.005%). This variant has not been reported in the literature in individuals affected with LIG1-related conditions. Algorithms developed to predict the effect of missense changes on protein structure and function (SIFT, PolyPhen-2, Align-GVGD) all suggest that this variant is likely to be tolerated. In summary, the available evidence is currently insufficient to determine the role of this variant in disease. Therefore, it has been classified as a Variant of Uncertain Significance.